The following is an entry in ClinVar:

ClinVar aggregate classification (germline): Uncertain significance (1 of 4 stars; one submission).

Submission:

GeneDx
Classification: Uncertain significance. Last evaluated: 2019-11-20. Review status: criteria provided, single submitter. Criteria: GeneDx Variant Classification Process June 2021. Collection method: clinical testing. Allele origin: germline. Affected: yes.
Comment: Not observed in large population cohorts (Lek et al., 2016); In silico analysis, which includes protein predictors and evolutionary conservation, supports a deleterious effect; Has not been previously published as pathogenic or benign to our knowledge

NM_005120.3(MED12):c.3410C>G (p.Ala1137Gly)

Gene: MED12 (mediator complex subunit 12; plus strand). Cytogenetic location: Xq13.1.
Variant type: single nucleotide variant.
Coding change: c.3410C>G on transcript NM_005120.3 (MANE Select); coding-DNA position 3410, C replaced by G.
Protein change: p.Ala1137Gly; replaces alanine 1137 with glycine.
Molecular consequence: missense variant.
Genome position (GRCh38, 1-based): chrX:71,128,653, C>G. VCF-style: chrX-71128653-C-G. GRCh37 (hg19) VCF-style: chrX-70348503-C-G.
Other names: short protein forms A1137G.
Identifiers: ClinVar variation 1310150 (VCV001310150.2), dbSNP rs2147803636, ClinGen allele CA413519179.